The following is an entry in ClinVar:

NM_001003800.2(BICD2):c.793A>C (p.Met265Leu)

Gene: BICD2 (BICD cargo adaptor 2; minus strand). Cytogenetic location: 9q22.31.
Variant type: single nucleotide variant.
Coding change: c.793A>C on transcript NM_001003800.2 (MANE Select); coding-DNA position 793, A replaced by C.
Protein change: p.Met265Leu; replaces methionine 265 with leucine.
Molecular consequence: missense variant.
Genome position (GRCh38, 1-based): chr9:92,720,569, T>G on the plus strand (A>C on the coding strand, the complement: BICD2 is on the minus strand). VCF-style: chr9-92720569-T-G. GRCh37 (hg19) VCF-style: chr9-95482851-T-G.
Other names: c.793A>C, p.Met265Leu (NM_015250.4); short protein forms M265L.
Identifiers: ClinVar variation 1426770 (VCV001426770.6), dbSNP rs779331320, ClinGen allele CA374043513.

ClinVar aggregate classification (germline): Uncertain significance (1 of 4 stars; one submission).

Conditions:
Autosomal dominant childhood-onset proximal spinal muscular atrophy with contractures (SMALED2A). Also called: Spinal muscular atrophy, lower extremity-predominant, 2A, autosomal dominant; SPINAL MUSCULAR ATROPHY, LOWER EXTREMITY-PREDOMINANT, 2A, CHILDHOOD ONSET, AUTOSOMAL DOMINANT. Identifiers: Orphanet 363447, Orphanet 363454, MedGen C4747715, MONDO:0014121, OMIM 615290.

gnomAD v4.1: 4 of 1,614,142 alleles (0.00025%); highest among the groups gnomAD compares: Non-Finnish European, 0.00034%; no homozygotes.

Submission:

Labcorp Genetics (formerly Invitae), Labcorp
Classification: Uncertain significance for Autosomal dominant childhood-onset proximal spinal muscular atrophy with contractures. Last evaluated: 2024-02-27. Review status: criteria provided, single submitter. Criteria: Invitae Variant Classification Sherloc (09022015). Collection method: clinical testing. Allele origin: germline.
Comment: This sequence change replaces methionine, which is neutral and non-polar, with leucine, which is neutral and non-polar, at codon 265 of the BICD2 protein (p.Met265Leu). This variant is not present in population databases (gnomAD no frequency). This variant has not been reported in the literature in individuals affected with BICD2-related conditions. ClinVar contains an entry for this variant (Variation ID: 1426770). Advanced modeling of protein sequence and biophysical properties (such as structural, functional, and spatial information, amino acid conservation, physicochemical variation, residue mobility, and thermodynamic stability) performed at Invitae indicates that this missense variant is not expected to disrupt BICD2 protein function with a negative predictive value of 80%. In summary, the available evidence is currently insufficient to determine the role of this variant in disease. Therefore, it has been classified as a Variant of Uncertain Significance.